The following is an entry in ClinVar:

NM_004525.3(LRP2):c.9998+5T>C

Gene: LRP2 (LDL receptor related protein 2; minus strand). Cytogenetic location: 2q31.1.
Variant type: single nucleotide variant.
Coding change: c.9998+5T>C on transcript NM_004525.3 (MANE Select); 5 bases into the intron after coding-DNA position 9998, T replaced by C.
Molecular consequence: intron variant.
Genome position (GRCh38, 1-based): chr2:169,182,162, A>G on the plus strand (T>C on the coding strand, the complement: LRP2 is on the minus strand). VCF-style: chr2-169182162-A-G. GRCh37 (hg19) VCF-style: chr2-170038672-A-G.
Identifiers: ClinVar variation 1393912 (VCV001393912.3), dbSNP rs753525327, ClinGen allele CA1953467.
Genomic context (GRCh38, chr2:169,182,162, plus strand): 5'-CTTCTCGGTAACAGAGGCAGAAGAAGGAGGTGAAAGAAAAGCCCAGGATTGCAGGGAGAC[A>G]ATACCCATATTGAGGGTGAAGGGCAAGTCCTCTGGGATTATCAAAGCAGAAGGTGTTGTT-3'

ClinVar aggregate classification (germline): Uncertain significance (1 of 4 stars; one submission).

Allele frequency attached by ClinVar (database versions not stated): gnomAD exomes below 0.00001 and 0.00001; ExAC 0.00001.
gnomAD v4.1: 9 of 1,614,098 alleles (0.00056%); highest among the groups gnomAD compares: Non-Finnish European, 0.00076%; no homozygotes.

Submission:

Labcorp Genetics (formerly Invitae), Labcorp
Classification: Uncertain significance. Last evaluated: 2022-07-26. Review status: criteria provided, single submitter. Criteria: Invitae Variant Classification Sherloc (09022015). Collection method: clinical testing. Allele origin: germline.
Comment: This sequence change falls in intron 51 of the LRP2 gene. It does not directly change the encoded amino acid sequence of the LRP2 protein. It affects a nucleotide within the consensus splice site. This variant is present in population databases (rs753525327, gnomAD 0.0009%). This variant has not been reported in the literature in individuals affected with LRP2-related conditions. ClinVar contains an entry for this variant (Variation ID: 1393912). Variants that disrupt the consensus splice site are a relatively common cause of aberrant splicing (PMID: 17576681, 9536098). Algorithms developed to predict the effect of sequence changes on RNA splicing suggest that this variant is not likely to affect RNA splicing. In summary, the available evidence is currently insufficient to determine the role of this variant in disease. Therefore, it has been classified as a Variant of Uncertain Significance.

Literature cited by the submitters: PubMed 17576681; PubMed 9536098.